The following is an entry in ClinVar:

ClinVar aggregate classification (germline): Uncertain significance (1 of 4 stars; one submission).

Allele frequency attached by ClinVar (database versions not stated): gnomAD exomes below 0.00001.
gnomAD v4.1: 1 of 1,613,490 alleles (0.000062%); highest among the groups gnomAD compares: Non-Finnish European, 0.000085%; no homozygotes.

Submission:

Labcorp Genetics (formerly Invitae), Labcorp
Classification: Uncertain significance. Last evaluated: 2022-05-07. Review status: criteria provided, single submitter. Criteria: Invitae Variant Classification Sherloc (09022015). Collection method: clinical testing. Allele origin: germline.
Comment: In summary, the available evidence is currently insufficient to determine the role of this variant in disease. Therefore, it has been classified as a Variant of Uncertain Significance. Algorithms developed to predict the effect of missense changes on protein structure and function are either unavailable or do not agree on the potential impact of this missense change (SIFT: "Not Available"; PolyPhen-2: "Benign"; Align-GVGD: "Not Available"). This variant has not been reported in the literature in individuals affected with IFT88-related conditions. This variant is present in population databases (no rsID available, gnomAD 0.002%). This sequence change replaces serine, which is neutral and polar, with threonine, which is neutral and polar, at codon 309 of the IFT88 protein (p.Ser309Thr).

NM_006531.5(IFT88):c.899G>C (p.Ser300Thr)

Gene: IFT88 (intraflagellar transport 88; plus strand). Cytogenetic location: 13q12.11.
Variant type: single nucleotide variant.
Coding change: c.899G>C on transcript NM_006531.5 (MANE Select); coding-DNA position 899, G replaced by C.
Protein change: p.Ser300Thr; replaces serine 300 with threonine.
Molecular consequence: missense variant. On other transcripts: non-coding transcript variant (5), intron variant (7).
Genome position (GRCh38, 1-based): chr13:20,601,791, G>C. VCF-style: chr13-20601791-G-C. GRCh37 (hg19) VCF-style: chr13-21175930-G-C.
Other names: c.899G>C, p.Ser300Thr (NM_001353572.2, NM_001353568.2); c.842G>C, p.Ser281Thr (NM_001353573.2, NM_001353575.2, NM_001318491.2); c.266G>C, p.Ser89Thr (NM_001353579.2); c.926G>C, p.Ser309Thr (NM_175605.5, NM_001318493.2, NM_001353565.2 and 2 more transcripts); c.883+43G>C (NM_001353570.2, NM_001353576.2, NM_001353577.2 and 1 more transcripts); c.856+43G>C (NM_001353571.2, NM_001353578.2); c.799+43G>C (NM_001353574.2); short protein forms S281T, S89T, S300T, S309T.
Identifiers: ClinVar variation 2135040 (VCV002135040.4), dbSNP rs1566146723, ClinGen allele CA387474670.
Genomic context (GRCh38, chr13:20,601,791, plus strand): 5'-TTACATTTATTCAGGCTGGTCAGTATTCAGATGCTATTAATTCATATGAGCACATAATGA[G>C]CATGGCACCAAATCTGAAGGCAGGCTACAACCTAACTATCTGTTATTTTGCTATTGGAGA-3'
Protein context (NP_006522.2, residues 290-310): DAINSYEHIM[Ser300Thr]MAPNLKAGYN